The following is an entry in ClinVar:

NM_030632.3(ASXL3):c.6477T>C (p.Phe2159=)

Gene: ASXL3 (ASXL transcriptional regulator 3; plus strand). Cytogenetic location: 18q12.1.
Variant type: single nucleotide variant.
Coding change: c.6477T>C on transcript NM_030632.3 (MANE Select); coding-DNA position 6477, T replaced by C.
Protein change: p.Phe2159=; no amino-acid change (phenylalanine 2159 retained).
Molecular consequence: synonymous variant.
Genome position (GRCh38, 1-based): chr18:33,746,325, T>C. VCF-style: chr18-33746325-T-C. GRCh37 (hg19) VCF-style: chr18-31326289-T-C.
Identifiers: ClinVar variation 2443242 (VCV002443242.5), dbSNP rs376585959, ClinGen allele CA8934656.

ClinVar aggregate classification (germline): Likely benign. Review status: criteria provided, single submitter (1 of 4 stars). 3 submissions from 3 submitters: Likely benign (1). 2 of the submissions do not count toward it. Last evaluated 2024-07-30.

Conditions:
ASXL3-related disorder. Also called: ASXL3-related condition. Identifiers: MedGen CN381524.

Allele frequency attached by ClinVar (database versions not stated): ExAC 0.00002; TOPMed 0.00007; ESP Exome Variant Server 0.00008; gnomAD 0.00008; gnomAD exomes 0.00011.
gnomAD v4.1: 174 of 1,613,882 alleles (0.011%); highest among the groups gnomAD compares: Non-Finnish European, 0.013%; 1 homozygote.

Submissions (3):

Blueprint Genetics
Classification: Likely benign. Last evaluated: 2024-07-30. Review status: criteria provided, single submitter. Criteria: ACMG Guidelines, 2015. Collection method: clinical testing. Allele origin: germline.

Genetic Services Laboratory, University of Chicago
Classification: Likely benign. Last evaluated: 2022-07-13. Review status: no assertion criteria provided. Collection method: clinical testing. Allele origin: germline. Affected: no. Not counted in ClinVar's aggregate classification.

PreventionGenetics, part of Exact Sciences
Classification: Likely benign for ASXL3-related condition. Last evaluated: 2019-03-14. Review status: no assertion criteria provided. Collection method: clinical testing. Allele origin: germline. Not counted in ClinVar's aggregate classification.
Comment: This variant is classified as likely benign based on ACMG/AMP sequence variant interpretation guidelines (Richards et al. 2015 PMID: 25741868, with internal and published modifications).